The following is an entry in ClinVar:

ClinVar aggregate classification (germline): Uncertain significance. Review status: criteria provided, multiple submitters, no conflicts (2 of 4 stars). 2 submissions from 2 submitters: Uncertain significance (2). Last evaluated 2022-10-13.

Conditions:
Lipoic acid synthetase deficiency. Also called: HYPERGLYCINEMIA, LACTIC ACIDOSIS, AND SEIZURES. Identifiers: Orphanet 401859, MedGen C3280887, MONDO:0013762, OMIM 614462.

Allele frequency attached by ClinVar (database versions not stated): ExAC 0.00001; gnomAD 0.00001; gnomAD exomes 0.00001 and 0.00002; TOPMed 0.00001.
gnomAD v4.1: 13 of 1,609,820 alleles (0.00081%); highest among the groups gnomAD compares: Admixed American, 0.015%; no homozygotes.

Submissions (2):

Labcorp Genetics (formerly Invitae), Labcorp
Classification: Uncertain significance for Lipoic acid synthetase deficiency. Last evaluated: 2022-10-13. Review status: criteria provided, single submitter. Criteria: Invitae Variant Classification Sherloc (09022015). Collection method: clinical testing. Allele origin: germline.
Comment: This sequence change replaces alanine, which is neutral and non-polar, with valine, which is neutral and non-polar, at codon 291 of the LIAS protein (p.Ala291Val). This variant is present in population databases (rs769256159, gnomAD 0.02%). This variant has not been reported in the literature in individuals affected with LIAS-related conditions. ClinVar contains an entry for this variant (Variation ID: 206040). Advanced modeling of protein sequence and biophysical properties (such as structural, functional, and spatial information, amino acid conservation, physicochemical variation, residue mobility, and thermodynamic stability) performed at Invitae indicates that this missense variant is not expected to disrupt LIAS protein function. Algorithms developed to predict the effect of sequence changes on RNA splicing suggest that this variant may disrupt the consensus splice site. In summary, the available evidence is currently insufficient to determine the role of this variant in disease. Therefore, it has been classified as a Variant of Uncertain Significance.

GeneDx
Classification: Uncertain significance. Last evaluated: 2014-06-03. Review status: criteria provided, single submitter. Criteria: GeneDx Variant Classification (06012015). Collection method: clinical testing. Allele origin: germline. Affected: yes.
Comment: p.Ala291Val (GCA>GTA): c.872 C>T in exon 8 of the LIAS gene (NM_006859.2). A variant of unknown significance has been identified in the LIAS gene. The A291V variant has not been published as a mutation, nor has it been reported as a benign polymorphism to our knowledge. It was not observed in approximately 6,500 individuals of European and African American ancestry in the NHLBI Exome Sequencing Project, indicating it is not a common benign variant in these populations. The A291V variant is a conservative amino acid substitution, which is not likely to impact secondary protein structure as these residues share similar properties. In addition, this substitution occurs at a position that is not conserved across species. In silico analysis is inconsistent in its predictions as to whether or not the variant is damaging to the protein structure/function. Therefore, based on the currently available information, it is unclear whether this variant is a pathogenic mutation or a rare benign variant. The variant is found in EPILEPSY panel(s).

NM_006859.4(LIAS):c.872C>T (p.Ala291Val)

Gene: LIAS (lipoic acid synthetase; plus strand). Cytogenetic location: 4p14.
Variant type: single nucleotide variant.
Coding change: c.872C>T on transcript NM_006859.4 (MANE Select); coding-DNA position 872, C replaced by T.
Protein change: p.Ala291Val; replaces alanine 291 with valine.
Molecular consequence: missense variant.
Genome position (GRCh38, 1-based): chr4:39,470,153, C>T. VCF-style: chr4-39470153-C-T. GRCh37 (hg19) VCF-style: chr4-39471773-C-T.
Other names: p.A291V:GCA>GTA; c.743C>T, p.Ala248Val (NM_001278590.2); c.563C>T, p.Ala188Val (NM_001363700.2); c.872C>T, p.Ala291Val (NM_194451.3); short protein forms A291V, A248V, A188V.
Identifiers: ClinVar variation 206040 (VCV000206040.7), dbSNP rs769256159, ClinGen allele CA315741.